The following is an entry in ClinVar:

NM_000529.2(MC2R):c.383G>A (p.Arg128His)

Gene: MC2R (melanocortin 2 receptor; minus strand). Cytogenetic location: 18p11.21.
Variant type: single nucleotide variant.
Coding change: c.383G>A on transcript NM_000529.2 (MANE Select); coding-DNA position 383, G replaced by A.
Protein change: p.Arg128His; replaces arginine 128 with histidine.
Molecular consequence: missense variant.
Genome position (GRCh38, 1-based): chr18:13,885,136, C>T on the plus strand (G>A on the coding strand, the complement: MC2R is on the minus strand). VCF-style: chr18-13885136-C-T. GRCh37 (hg19) VCF-style: chr18-13885135-C-T.
Other names: c.383G>A, p.Arg128His (NM_001291911.1); short protein forms R128H.
Identifiers: ClinVar variation 4886409 (VCV004886409.2).

ClinVar aggregate classification (germline): Likely pathogenic (1 of 4 stars; one submission).

gnomAD v4.1: 35 of 1,614,068 alleles (0.0022%); highest among the groups gnomAD compares: Admixed American, 0.0033%; no homozygotes.

Submission:

Dasa
Classification: Likely pathogenic. Last evaluated: 2026-03-11. Review status: criteria provided, single submitter. Criteria: DASA Assertion Criteria. Collection method: clinical testing. Allele origin: germline.
Comment: NM_000529.2(MC2R):c.383G>A (p.Arg128His) is a missense variant that results in the substitution of arginine with histidine. The affected residue or protein region has prior evidence supporting clinical relevance. Functional evidence supports an impact on the gene or gene product (PMID: 10443676; PMID: 41697505). Also, this variant is rare in population databases. Computational evidence supports a deleterious effect. Based on the currently available evidence, this variant is classified as likely pathogenic.

Literature cited by the submitters: PubMed 10443676; PubMed 41697505.